The following is an entry in ClinVar:

NM_001267727.2(ARSG):c.526C>T (p.Pro176Ser)

Gene: ARSG (arylsulfatase G; plus strand). Cytogenetic location: 17q24.2.
Variant type: single nucleotide variant.
Coding change: c.526C>T on transcript NM_001267727.2 (MANE Select); coding-DNA position 526, C replaced by T.
Protein change: p.Pro176Ser; replaces proline 176 with serine.
Molecular consequence: missense variant.
Genome position (GRCh38, 1-based): chr17:68,351,646, C>T. VCF-style: chr17-68351646-C-T. GRCh37 (hg19) VCF-style: chr17-66347787-C-T.
Other names: c.526C>T, p.Pro176Ser (NM_001352899.2, NM_001352900.2, NM_001352901.2 and 8 more transcripts); c.478C>T, p.Pro160Ser (NM_001352909.2); short protein forms P160S, P176S.
Identifiers: ClinVar variation 1371131 (VCV001371131.8), dbSNP rs1351917843, ClinGen allele CA400741450.

ClinVar aggregate classification (germline): Uncertain significance (1 of 4 stars; one submission).

Allele frequency attached by ClinVar (database versions not stated): gnomAD exomes below 0.00001.
gnomAD v4.1: 34 of 1,613,890 alleles (0.0021%); highest among the groups gnomAD compares: Non-Finnish European, 0.0028%; no homozygotes.

Submission:

Labcorp Genetics (formerly Invitae), Labcorp
Classification: Uncertain significance. Last evaluated: 2021-05-28. Review status: criteria provided, single submitter. Criteria: Invitae Variant Classification Sherloc (09022015). Collection method: clinical testing. Allele origin: germline.
Comment: Algorithms developed to predict the effect of missense changes on protein structure and function are either unavailable or do not agree on the potential impact of this missense change (SIFT: "Deleterious"; PolyPhen-2: "Probably Damaging"; Align-GVGD: "Class C0"). This variant has not been reported in the literature in individuals with ARSG-related conditions. This variant is not present in population databases (ExAC no frequency). This sequence change replaces proline with serine at codon 176 of the ARSG protein (p.Pro176Ser). The proline residue is highly conserved and there is a moderate physicochemical difference between proline and serine. In summary, the available evidence is currently insufficient to determine the role of this variant in disease. Therefore, it has been classified as a Variant of Uncertain Significance.